The following is an entry in ClinVar:

ClinVar aggregate classification (germline): Likely benign (0 of 4 stars; one submission).

Conditions:
SRP72-related disorder. Also called: SRP72-related condition.

Allele frequency attached by ClinVar (database versions not stated): gnomAD exomes below 0.00001; ExAC 0.00001; TOPMed 0.00003; gnomAD 0.00004; 1000 Genomes Project 30x 0.00016; 1000 Genomes Project 0.00020.
gnomAD v4.1: 7 of 1,607,604 alleles (0.00044%); highest among the groups gnomAD compares: African/African-American, 0.0094%; no homozygotes.

Submission:

PreventionGenetics, part of Exact Sciences
Classification: Likely benign for SRP72-related condition. Last evaluated: 2023-05-22. Review status: no assertion criteria provided. Collection method: clinical testing. Allele origin: germline.
Comment: This variant is classified as likely benign based on ACMG/AMP sequence variant interpretation guidelines (Richards et al. 2015 PMID: 25741868, with internal and published modifications).

NM_006947.4(SRP72):c.610+9T>A

Gene: SRP72 (signal recognition particle 72; plus strand). Cytogenetic location: 4q12.
Variant type: single nucleotide variant.
Coding change: c.610+9T>A on transcript NM_006947.4 (MANE Select); 9 bases into the intron after coding-DNA position 610, T replaced by A.
Molecular consequence: intron variant.
Genome position (GRCh38, 1-based): chr4:56,474,400, T>A. VCF-style: chr4-56474400-T-A. GRCh37 (hg19) VCF-style: chr4-57340566-T-A.
Other names: c.610+9T>A (NM_001267722.2).
Identifiers: ClinVar variation 3051459 (VCV003051459.2), dbSNP rs538570164, ClinGen allele CA2931106.